The following is an entry in ClinVar:

NM_000256.3(MYBPC3):c.1166A>T (p.Asp389Val)

Gene: MYBPC3 (myosin binding protein C3; minus strand). Cytogenetic location: 11p11.2.
Variant type: single nucleotide variant.
Coding change: c.1166A>T on transcript NM_000256.3 (MANE Select); coding-DNA position 1166, A replaced by T.
Protein change: p.Asp389Val; replaces aspartic acid 389 with valine.
Molecular consequence: missense variant.
Genome position (GRCh38, 1-based): chr11:47,343,549, T>A on the plus strand (A>T on the coding strand, the complement: MYBPC3 is on the minus strand). VCF-style: chr11-47343549-T-A. GRCh37 (hg19) VCF-style: chr11-47365100-T-A.
Other names: short protein forms D389V.
Identifiers: ClinVar variation 925145 (VCV000925145.7), dbSNP rs1412710023, ClinGen allele CA380328836.

ClinVar aggregate classification (germline): Uncertain significance. Review status: criteria provided, multiple submitters, no conflicts (2 of 4 stars). 3 submissions from 3 submitters: Uncertain significance (3). Last evaluated 2024-04-15.

Conditions:
Cardiomyopathy (CMYO). Also called: Cardiomyopathies. Identifiers: Orphanet 167848, MedGen C0878544, MONDO:0004994, HP:0001638. Inheritance: Various modes of inheritance.
Hypertrophic cardiomyopathy. Also called: HYPERTROPHIC MYOCARDIOPATHY. Identifiers: Orphanet 217569, MedGen C0007194, MeSH D002312, MONDO:0005045, HP:0001639.

Allele frequency attached by ClinVar (database versions not stated): gnomAD exomes below 0.00001.
gnomAD v4.1: 2 of 1,610,136 alleles (0.00012%); highest among the groups gnomAD compares: South Asian, 0.0022%; no homozygotes.

Submissions (3):

Color Diagnostics, LLC DBA Color Health
Classification: Uncertain significance for Cardiomyopathy. Last evaluated: 2024-04-15. Review status: criteria provided, single submitter. Criteria: ACMG Guidelines, 2015. Collection method: clinical testing. Allele origin: germline.
Comment: This missense variant replaces aspartic acid with valine at codon 389 of the MYBPC3 protein. Computational prediction tools indicate that this variant's impact on protein structure and function is inconclusive. This variant presents in tandem on the same allele as the likely benign MYBPC3 variant c.3628-41_3628-17del25. One functional study in wild boar tissue showed that this variant may lead to faster destabilization of sarcomere function than c.3628-41_3628-17del25 alone (PMID: 34769381). This variant has been reported in individuals affected with hypertrophic cardiomyopathy who also carried the c.3628-41_3628-17del25 allele (PMID: 29641836). Echocardiographic findings from a study screening US South Asian individuals have indicated that left ventricular ejection fraction and left ventricular fractional shortening were significantly increased in the Asp389Val carriers compared to non-carriers, consistent with a hyperdynamic state described in early hypertrophic cardiomyopathy (PMID: 29641836). At a cellular level, cardiomyocytes derived from induced pluripotent stem cells from Asp389Val carrier individuals were significantly more hypertrophic and showed increased frequency of arrhythmic cells as well as ectopic Ca2+ transients compared with control cells (PMID: 29641836). This variant has been identified in 1/244882 chromosomes in the general population by the Genome Aggregation Database (gnomAD). The available evidence is insufficient to determine the role of this variant in disease conclusively. Therefore, this variant is classified as a Variant of Uncertain Significance.

All of Us Research Program, National Institutes of Health
Classification: Uncertain significance for Hypertrophic cardiomyopathy. Last evaluated: 2023-08-23. Review status: criteria provided, single submitter. Criteria: ACMG Guidelines, 2015. Collection method: clinical testing. Allele origin: germline. Inheritance: Autosomal dominant inheritance. Observed: 2 variant alleles, 2 heterozygotes.
Comment: This missense variant replaces aspartic acid with valine at codon 389 of the MYBPC3 protein. Computational prediction suggests that this variant may not impact protein structure and function (internally defined REVEL score threshold <= 0.5, PMID: 27666373). This variant presents in tandem on the same allele as the likely benign MYBPC3 variant c.3628-41_3628-17del25 (MYBPC3del25bp). One functional study in wild boar tissue showed that this variant may lead to faster destabilization of sarcomere function than MYBPC3del25bp alone (PMID: 34769381). This variant has not been reported in individuals affected with MYBPC3-related disorders in the literature. Echocardiographic findings from a study screening US South Asian individuals have indicated that left ventricular ejection fraction and left ventricular fractional shortening were significantly increased in the Asp389Val carriers compared to non-carriers, consistent with a hyperdynamic state described in early hypertrophic cardiomyopathy (PMID: 29641836). At a cellular level, cardiomyocytes derived from induced pluripotent stem cells from Asp389Val carriers were significantly more hypertrophic and showed increased frequency of arrhythmic cells as well as ectopic Ca2+ transients compared with control cells (PMID: 29641836). This variant has been identified in 1/244882 chromosomes in the general population by the Genome Aggregation Database (gnomAD). The available evidence is insufficient to determine the role of this variant in disease conclusively. Therefore, this variant is classified as a Variant of Uncertain Significance.

This study involves interpretation of variants in research participants for the purpose of population health screening. Participant phenotype was not available at the time of variant classification. Additional details can be found in publication PMID: 35346344, PMCID: PMC8962531

Labcorp Genetics (formerly Invitae), Labcorp
Classification: Uncertain significance for Hypertrophic cardiomyopathy. Last evaluated: 2021-08-26. Review status: criteria provided, single submitter. Criteria: Invitae Variant Classification Sherloc (09022015). Collection method: clinical testing. Allele origin: germline.
Comment: This sequence change replaces aspartic acid with valine at codon 389 of the MYBPC3 protein (p.Asp389Val). The aspartic acid residue is weakly conserved and there is a large physicochemical difference between aspartic acid and valine. This variant is not present in population databases (ExAC no frequency). This missense change has been observed in individual(s) with clinical features of hypertrophic cardiomyopathy (PMID: 29641836). ClinVar contains an entry for this variant (Variation ID: 925145). Algorithms developed to predict the effect of missense changes on protein structure and function are either unavailable or do not agree on the potential impact of this missense change (SIFT: "Deleterious"; PolyPhen-2: "Possibly Damaging"; Align-GVGD: "Class C0"). In summary, the available evidence is currently insufficient to determine the role of this variant in disease. Therefore, it has been classified as a Variant of Uncertain Significance.

Literature cited by the submitters: PubMed 29641836 (cited by 3 submitters); PubMed 34769381 (cited by Color Diagnostics, LLC DBA Color Health and All of Us Research Program, National Institutes of Health).